The following is an entry in ClinVar:

NM_001845.6(COL4A1):c.4408G>C (p.Gly1470Arg)

Gene: COL4A1 (collagen type IV alpha 1 chain; minus strand). Cytogenetic location: 13q34.
Variant type: single nucleotide variant.
Coding change: c.4408G>C on transcript NM_001845.6 (MANE Select); coding-DNA position 4408, G replaced by C.
Protein change: p.Gly1470Arg; replaces glycine 1470 with arginine.
Molecular consequence: missense variant.
Genome position (GRCh38, 1-based): chr13:110,162,284, C>G on the plus strand (G>C on the coding strand, the complement: COL4A1 is on the minus strand). VCF-style: chr13-110162284-C-G. GRCh37 (hg19) VCF-style: chr13-110814631-C-G.
Other names: short protein forms G1470R.
Identifiers: ClinVar variation 2841875 (VCV002841875.3), dbSNP rs2139146124, ClinGen allele CA388657955.

ClinVar aggregate classification (germline): Pathogenic (1 of 4 stars; one submission).

Submission:

Labcorp Genetics (formerly Invitae), Labcorp
Classification: Pathogenic. Last evaluated: 2023-03-01. Review status: criteria provided, single submitter. Criteria: Invitae Variant Classification Sherloc (09022015). Collection method: clinical testing. Allele origin: germline.
Comment: For these reasons, this variant has been classified as Pathogenic. Experimental studies and prediction algorithms are not available or were not evaluated, and the functional significance of this variant is currently unknown. This missense change has been observed in individual(s) with COL4A1-related conditions (Invitae). In at least one individual the variant was observed to be de novo. This variant is not present in population databases (gnomAD no frequency). This sequence change replaces glycine, which is neutral and non-polar, with arginine, which is basic and polar, at codon 1470 of the COL4A1 protein (p.Gly1470Arg).